The following is an entry in ClinVar:

ClinVar aggregate classification (germline): Uncertain significance. Review status: criteria provided, multiple submitters, no conflicts (2 of 4 stars). 3 submissions from 3 submitters: Uncertain significance (3). Last evaluated 2025-12-08.

Conditions:
Hereditary cancer-predisposing syndrome. Also called: Neoplastic Syndromes, Hereditary; Hereditary Cancer Syndrome; Tumor predisposition; Hereditary neoplastic syndrome. Identifiers: Orphanet 140162, MedGen C0027672, MeSH D009386, MONDO:0015356.

Submissions (3):

Labcorp Genetics (formerly Invitae), Labcorp
Classification: Uncertain significance. Last evaluated: 2025-12-08. Review status: criteria provided, single submitter. Criteria: Invitae Variant Classification Sherloc (09022015). Collection method: clinical testing. Allele origin: germline.
Comment: This sequence change replaces tyrosine, which is neutral and polar, with cysteine, which is neutral and slightly polar, at codon 84 of the POLE protein (p.Tyr84Cys). This variant is not present in population databases (gnomAD no frequency). This variant has not been reported in the literature in individuals affected with POLE-related conditions. ClinVar contains an entry for this variant (Variation ID: 853626). Invitae Evidence Modeling of protein sequence and biophysical properties (such as structural, functional, and spatial information, amino acid conservation, physicochemical variation, residue mobility, and thermodynamic stability) indicates that this missense variant is not expected to disrupt POLE protein function with a negative predictive value of 80%. In summary, the available evidence is currently insufficient to determine the role of this variant in disease. Therefore, it has been classified as a Variant of Uncertain Significance.

Ambry Genetics
Classification: Uncertain significance for Hereditary cancer-predisposing syndrome. Last evaluated: 2023-12-21. Review status: criteria provided, single submitter. Criteria: Ambry Variant Classification Scheme 2023. Collection method: clinical testing. Allele origin: germline.
Comment: The p.Y84C variant (also known as c.251A>G), located in coding exon 3 of the POLE gene, results from an A to G substitution at nucleotide position 251. The tyrosine at codon 84 is replaced by cysteine, an amino acid with highly dissimilar properties. This amino acid position is conserved. In addition, the in silico prediction for this alteration is inconclusive. Since supporting evidence is limited at this time, the clinical significance of this alteration remains unclear.

GeneDx
Classification: Uncertain significance. Last evaluated: 2023-06-26. Review status: criteria provided, single submitter. Criteria: GeneDx Variant Classification Process June 2021. Collection method: clinical testing. Allele origin: germline. Affected: yes.
Comment: Not observed at significant frequency in large population cohorts (gnomAD); In silico analysis supports that this missense variant has a deleterious effect on protein structure/function; Has not been previously published as pathogenic or benign to our knowledge

NM_006231.4(POLE):c.251A>G (p.Tyr84Cys)

Gene: POLE (DNA polymerase epsilon, catalytic subunit; minus strand). Cytogenetic location: 12q24.33.
Variant type: single nucleotide variant.
Coding change: c.251A>G on transcript NM_006231.4 (MANE Select); coding-DNA position 251, A replaced by G.
Protein change: p.Tyr84Cys; replaces tyrosine 84 with cysteine.
Molecular consequence: missense variant.
Genome position (GRCh38, 1-based): chr12:132,680,641, T>C on the plus strand (A>G on the coding strand, the complement: POLE is on the minus strand). VCF-style: chr12-132680641-T-C. GRCh37 (hg19) VCF-style: chr12-133257227-T-C.
Other names: short protein forms Y84C.
Identifiers: ClinVar variation 853626 (VCV000853626.10), dbSNP rs2043146494, ClinGen allele CA387369132.